The following is an entry in ClinVar:

NM_001387283.1(SMARCA4):c.4190T>G (p.Ile1397Ser)

Gene: SMARCA4 (SWI/SNF related BAF chromatin remodeling complex subunit ATPase 4; plus strand). Cytogenetic location: 19p13.2.
Variant type: single nucleotide variant.
Coding change: c.4190T>G on transcript NM_001387283.1 (MANE Plus Clinical); coding-DNA position 4190, T replaced by G.
Protein change: p.Ile1397Ser; replaces isoleucine 1397 with serine.
Molecular consequence: missense variant. On other transcripts: intron variant (7).
Genome position (GRCh38, 1-based): chr19:11,039,477, T>G. VCF-style: chr19-11039477-T-G. GRCh37 (hg19) VCF-style: chr19-11150153-T-G.
Other names: c.4190T>G, p.Ile1397Ser (NM_001128849.3); c.4171-1830T>G (NM_001128844.3, NM_003072.5); c.4072-1830T>G (NM_001128847.4, NM_001374457.1, NM_001128848.2); c.4072-1821T>G (NM_001128845.2, NM_001128846.2); short protein forms I1397S.
Identifiers: ClinVar variation 238454 (VCV000238454.9), dbSNP rs534766933, ClinGen allele CA9204629.

ClinVar aggregate classification (germline): Conflicting classifications of pathogenicity. Review status: criteria provided, conflicting classifications (1 of 4 stars). 2 submissions from 2 submitters: Uncertain significance (1); Likely benign (1). Last evaluated 2024-03-08.

Conditions:
Hereditary cancer-predisposing syndrome. Also called: Neoplastic Syndromes, Hereditary; Hereditary neoplastic syndrome; Tumor predisposition; Hereditary Cancer Syndrome. Identifiers: Orphanet 140162, MedGen C0027672, MeSH D009386, MONDO:0015356.
Rhabdoid tumor predisposition syndrome 2 (RTPS2). Identifiers: Orphanet 231108, Orphanet 69077, MedGen C2750074, MONDO:0013224, OMIM 613325.

Allele frequency attached by ClinVar (database versions not stated): gnomAD 0.00003; TOPMed 0.00004.
gnomAD v4.1: 1 of 1,602,436 alleles (0.000062%); highest among the groups gnomAD compares: East Asian, 0.0023%; no homozygotes.

Submissions (2):

Ambry Genetics
Classification: Likely benign for Hereditary cancer-predisposing syndrome. Last evaluated: 2024-03-08. Review status: criteria provided, single submitter. Criteria: Ambry Variant Classification Scheme 2023. Collection method: clinical testing. Allele origin: germline.

Labcorp Genetics (formerly Invitae), Labcorp
Classification: Uncertain significance for Rhabdoid tumor predisposition syndrome 2. Last evaluated: 2023-10-23. Review status: criteria provided, single submitter. Criteria: Invitae Variant Classification Sherloc (09022015). Collection method: clinical testing. Allele origin: germline.
Comment: This sequence change replaces isoleucine, which is neutral and non-polar, with serine, which is neutral and polar, at codon 1397 of the SMARCA4 protein (p.Ile1397Ser). This variant is present in population databases (rs534766933, gnomAD 0.01%). This variant has not been reported in the literature in individuals affected with SMARCA4-related conditions. ClinVar contains an entry for this variant (Variation ID: 238454). An algorithm developed to predict the effect of missense changes on protein structure and function (PolyPhen-2) suggests that this variant is likely to be tolerated. In summary, the available evidence is currently insufficient to determine the role of this variant in disease. Therefore, it has been classified as a Variant of Uncertain Significance.